The following is an entry in ClinVar:

NM_001244008.2(KIF1A):c.4897A>G (p.Ser1633Gly)

Gene: KIF1A (kinesin family member 1A; minus strand). Cytogenetic location: 2q37.3.
Variant type: single nucleotide variant.
Coding change: c.4897A>G on transcript NM_001244008.2 (MANE Select); coding-DNA position 4897, A replaced by G.
Protein change: p.Ser1633Gly; replaces serine 1633 with glycine.
Molecular consequence: missense variant.
Genome position (GRCh38, 1-based): chr2:240,719,898, T>C on the plus strand (A>G on the coding strand, the complement: KIF1A is on the minus strand). VCF-style: chr2-240719898-T-C. GRCh37 (hg19) VCF-style: chr2-241659315-T-C.
Other names: c.4621A>G, p.Ser1541Gly (NM_001320705.2, NM_001379649.1); c.4648A>G, p.Ser1550Gly (NM_001330289.2); c.4696A>G, p.Ser1566Gly (NM_001330290.2, NM_001379648.1); c.4972A>G, p.Ser1658Gly (NM_001379631.1); c.4873A>G, p.Ser1625Gly (NM_001379632.1); c.4870A>G, p.Ser1624Gly (NM_001379633.1, NM_001379645.1); c.4723A>G, p.Ser1575Gly (NM_001379634.1); c.4720A>G, p.Ser1574Gly (NM_001379635.1, NM_001379646.1); and 7 more; short protein forms S1531G, S1532G, S1549G, S1541G, S1570G, S1575G, S1625G, S1540G.
Identifiers: ClinVar variation 1931017 (VCV001931017.5), dbSNP rs896301370, ClinGen allele CA68134095.

ClinVar aggregate classification (germline): Uncertain significance (1 of 4 stars; one submission).

Conditions:
Hereditary spastic paraplegia 30. Identifiers: Orphanet 101010, MedGen C5235139, MONDO:0012476.
Neuropathy, hereditary sensory, type 2C. Also called: Hereditary sensory and autonomic neuropathy type IIC; KIF1A-Related HSAN2 (HSAN2C). Identifiers: Orphanet 970, MedGen C3280168, MONDO:0013634, OMIM 614213.
Intellectual disability, autosomal dominant 9 (NESCAVS). Also called: NESCAV SYNDROME; KIF1A-Related Neurodevelopmental Disorder. Identifiers: Orphanet 662367, MedGen C5393830, MONDO:0013656, OMIM 614255.

Allele frequency attached by ClinVar (database versions not stated): TOPMed 0.00001; gnomAD 0.00001.
gnomAD v4.1: 1 of 1,611,084 alleles (0.000062%); highest among the groups gnomAD compares: African/African-American, 0.0013%; no homozygotes.

Submission:

Labcorp Genetics (formerly Invitae), Labcorp
Classification: Uncertain significance for Hereditary spastic paraplegia 30; Neuropathy, hereditary sensory, type 2C; Intellectual disability, autosomal dominant 9. Last evaluated: 2024-09-30. Review status: criteria provided, single submitter. Criteria: Invitae Variant Classification Sherloc (09022015). Collection method: clinical testing. Allele origin: germline.
Comment: This sequence change replaces serine, which is neutral and polar, with glycine, which is neutral and non-polar, at codon 1532 of the KIF1A protein (p.Ser1532Gly). This variant is not present in population databases (gnomAD no frequency). This variant has not been reported in the literature in individuals affected with KIF1A-related conditions. ClinVar contains an entry for this variant (Variation ID: 1931017). Invitae Evidence Modeling of protein sequence and biophysical properties (such as structural, functional, and spatial information, amino acid conservation, physicochemical variation, residue mobility, and thermodynamic stability) indicates that this missense variant is not expected to disrupt KIF1A protein function with a negative predictive value of 95%. In summary, the available evidence is currently insufficient to determine the role of this variant in disease. Therefore, it has been classified as a Variant of Uncertain Significance.